The following is an entry in ClinVar:

ClinVar aggregate classification (germline): Conflicting classifications of pathogenicity. Review status: criteria provided, conflicting classifications (1 of 4 stars). 10 submissions from 9 submitters: Uncertain significance (1); Benign (4); Likely benign (5). Last evaluated 2026-01-20.

Conditions:
Autosomal dominant cerebellar ataxia. Also called: Spinocerebellar Ataxia, Dominant. Identifiers: Orphanet 99, MedGen C4087347, MONDO:0020380.
Inborn genetic diseases. Identifiers: MedGen C0950123, MeSH D030342.
Charcot-Marie-Tooth disease. Also called: Charcot-Marie-Tooth Neuropathy; Charcot-Marie-Tooth Hereditary Neuropathy. Identifiers: Orphanet 166, MedGen C0007959, MONDO:0015626.
Charcot-Marie-Tooth disease axonal type 2O. Also called: CHARCOT-MARIE-TOOTH NEUROPATHY, AXONAL, TYPE 2O; CHARCOT-MARIE-TOOTH DISEASE, AXONAL, AUTOSOMAL DOMINANT, TYPE 2O; Charcot-Marie-Tooth disease, axonal, type 20; Charcot-Marie-Tooth Neuropathy Type 2O. Identifiers: Orphanet 284232, MedGen C3280220, MONDO:0013644, OMIM 614228.

Allele frequency attached by ClinVar (database versions not stated): 1000 Genomes Project 30x 0.00031; gnomAD exomes 0.00033 and 0.00011; 1000 Genomes Project 0.00040; ExAC 0.00029; ESP Exome Variant Server 0.00077; gnomAD 0.00094 and 0.00103; TOPMed 0.00102.
gnomAD v4.1: 314 of 1,614,142 alleles (0.019%); highest among the groups gnomAD compares: African/African-American, 0.32%; no homozygotes.

Submissions (10):

Labcorp Genetics (formerly Invitae), Labcorp
Classification: Benign for Charcot-Marie-Tooth disease axonal type 2O. Last evaluated: 2026-01-20. Review status: criteria provided, single submitter. Criteria: Invitae Variant Classification Sherloc (09022015). Collection method: clinical testing. Allele origin: germline.

Blueprint Genetics
Classification: Likely benign. Last evaluated: 2024-11-18. Review status: criteria provided, single submitter. Criteria: ACMG Guidelines, 2015. Collection method: clinical testing. Allele origin: germline.

Mayo Clinic Laboratories, Mayo Clinic
Classification: Benign. Last evaluated: 2024-05-28. Review status: criteria provided, single submitter. Criteria: ACMG Guidelines, 2015. Collection method: clinical testing. Allele origin: germline. Observed: 4 variant alleles.
Comment: BS1, BS2, BP4, BP7

GeneDx
Classification: Benign. Last evaluated: 2020-09-25. Review status: criteria provided, single submitter. Criteria: GeneDx Variant Classification Process June 2021. Collection method: clinical testing. Allele origin: germline. Affected: yes.

Illumina Laboratory Services, Illumina
Classification: Benign for Spinocerebellar Ataxia, Dominant. Last evaluated: 2018-01-13. Review status: criteria provided, single submitter. Criteria: ICSL Variant Classification Criteria 13 December 2019. Collection method: clinical testing. Allele origin: germline.
Comment: This variant was observed in the ICSL laboratory as part of a predisposition screen in an ostensibly healthy population. It had not been previously curated by ICSL or reported in the Human Gene Mutation Database (HGMD: prior to June 1st, 2018), and was therefore a candidate for classification through an automated scoring system. Utilizing variant allele frequency, disease prevalence and penetrance estimates, and inheritance mode, an automated score was calculated to assess if this variant is too frequent to cause the disease. Based on the score and internal cut-off values, a variant classified as benign is not then subjected to further curation. The score for this variant resulted in a classification of benign for this disease.

Illumina Laboratory Services, Illumina
Classification: Likely benign for Charcot-Marie-Tooth disease axonal type 2O. Last evaluated: 2018-01-13. Review status: criteria provided, single submitter. Criteria: ICSL Variant Classification Criteria 13 December 2019. Collection method: clinical testing. Allele origin: germline.
Comment: This variant was observed in the ICSL laboratory as part of a predisposition screen in an ostensibly healthy population. It had not been previously curated by ICSL or reported in the Human Gene Mutation Database (HGMD: prior to June 1st, 2018), and was therefore a candidate for classification through an automated scoring system. Utilizing variant allele frequency, disease prevalence and penetrance estimates, and inheritance mode, an automated score was calculated to assess if this variant is too frequent to cause the disease. Based on the score and internal cut-off values, a variant classified as likely benign is not then subjected to further curation. The score for this variant resulted in a classification of likely benign for this disease.

Ambry Genetics
Classification: Likely benign for Inborn genetic diseases. Last evaluated: 2017-11-01. Review status: criteria provided, single submitter. Criteria: Ambry Variant Classification Scheme 2023. Collection method: clinical testing. Allele origin: germline.

Eurofins Ntd Llc (ga)
Classification: Likely benign. Last evaluated: 2017-04-17. Review status: criteria provided, single submitter. Criteria: EGL Classification Definitions 2015. Collection method: clinical testing. Allele origin: germline. Observed: 1 variant allele, 1 heterozygote.

Genetic Services Laboratory, University of Chicago
Classification: Uncertain significance. Last evaluated: 2015-04-23. Review status: criteria provided, single submitter. Criteria: ACMG Guidelines, 2015. Collection method: clinical testing. Allele origin: germline.

Molecular Genetics Laboratory, London Health Sciences Centre
Classification: Likely benign for Charcot-Marie-Tooth disease. Review status: criteria provided, single submitter. Criteria: ACMG Guidelines, 2015. Collection method: clinical testing. Allele origin: germline. Affected: yes.

NM_001376.5(DYNC1H1):c.13440C>T (p.Ser4480=)

Gene: DYNC1H1 (dynein cytoplasmic 1 heavy chain 1; plus strand). Cytogenetic location: 14q32.31.
Variant type: single nucleotide variant.
Coding change: c.13440C>T on transcript NM_001376.5 (MANE Select); coding-DNA position 13440, C replaced by T.
Protein change: p.Ser4480=; no amino-acid change (serine 4480 retained).
Molecular consequence: synonymous variant.
Genome position (GRCh38, 1-based): chr14:102,049,507, C>T. VCF-style: chr14-102049507-C-T. GRCh37 (hg19) VCF-style: chr14-102515844-C-T.
Other names: p.Ser4480=.
Identifiers: ClinVar variation 210866 (VCV000210866.30), dbSNP rs150286673, ClinGen allele CA206944.